The following is an entry in ClinVar:

NM_020806.5(GPHN):c.1694C>G (p.Ala565Gly)

Gene: GPHN (gephyrin; plus strand). Cytogenetic location: 14q23.3.
Variant type: single nucleotide variant.
Coding change: c.1694C>G on transcript NM_020806.5 (MANE Select); coding-DNA position 1694, C replaced by G.
Protein change: p.Ala565Gly; replaces alanine 565 with glycine.
Molecular consequence: missense variant.
Genome position (GRCh38, 1-based): chr14:67,122,323, C>G. VCF-style: chr14-67122323-C-G. GRCh37 (hg19) VCF-style: chr14-67589040-C-G.
Other names: c.1595C>G, p.Ala532Gly (NM_001024218.2); c.1754C>G, p.Ala585Gly (NM_001377514.1); c.1724C>G, p.Ala575Gly (NM_001377515.1); c.1715C>G, p.Ala572Gly (NM_001377516.1); c.1667C>G, p.Ala556Gly (NM_001377517.1); c.1652C>G, p.Ala551Gly (NM_001377518.1); c.1634C>G, p.Ala545Gly (NM_001377519.1); short protein forms A532G, A551G, A585G, A545G, A572G, A556G, A575G, A565G.
Identifiers: ClinVar variation 3657958 (VCV003657958.2).

ClinVar aggregate classification (germline): Uncertain significance (1 of 4 stars; one submission).

Conditions:
Sulfite oxidase deficiency due to molybdenum cofactor deficiency type C. Also called: Molybdenum cofactor deficiency, complementation group C; Molybdenum cofactor deficiency C. Identifiers: Orphanet 308400, Orphanet 833, MedGen C1854990, MONDO:0014212, OMIM 615501.

gnomAD v4.1: 1 of 1,612,616 alleles (0.000062%); highest among the groups gnomAD compares: South Asian, 0.0011%; no homozygotes.

Submission:

Labcorp Genetics (formerly Invitae), Labcorp
Classification: Uncertain significance for Sulfite oxidase deficiency due to molybdenum cofactor deficiency type C. Last evaluated: 2024-06-26. Review status: criteria provided, single submitter. Criteria: Invitae Variant Classification Sherloc (09022015). Collection method: clinical testing. Allele origin: germline.
Comment: This sequence change replaces alanine, which is neutral and non-polar, with glycine, which is neutral and non-polar, at codon 565 of the GPHN protein (p.Ala565Gly). This variant is present in population databases (rs769672058, gnomAD 0.006%). This variant has not been reported in the literature in individuals affected with GPHN-related conditions. Advanced modeling of protein sequence and biophysical properties (such as structural, functional, and spatial information, amino acid conservation, physicochemical variation, residue mobility, and thermodynamic stability) performed at Invitae indicates that this missense variant is not expected to disrupt GPHN protein function with a negative predictive value of 80%. In summary, the available evidence is currently insufficient to determine the role of this variant in disease. Therefore, it has been classified as a Variant of Uncertain Significance.